The following is an entry in ClinVar:

NM_024570.4(RNASEH2B):c.257A>T (p.His86Leu)

Gene: RNASEH2B (ribonuclease H2 subunit B; plus strand). Cytogenetic location: 13q14.3.
Variant type: single nucleotide variant.
Coding change: c.257A>T on transcript NM_024570.4 (MANE Select); coding-DNA position 257, A replaced by T.
Protein change: p.His86Leu; replaces histidine 86 with leucine.
Molecular consequence: missense variant.
Genome position (GRCh38, 1-based): chr13:50,930,695, A>T. VCF-style: chr13-50930695-A-T. GRCh37 (hg19) VCF-style: chr13-51504831-A-T.
Other names: c.257A>T, p.His86Leu (NM_001142279.2, NM_001411023.1); short protein forms H86L.
Identifiers: ClinVar variation 4854689 (VCV004854689.1).

ClinVar aggregate classification (germline): Uncertain significance (1 of 4 stars; one submission).

Conditions:
Aicardi-Goutieres syndrome 2. Identifiers: Orphanet 51, MedGen C3489724, MONDO:0012429, OMIM 610181.

Submission:

3billion
Classification: Uncertain significance for Aicardi-Goutieres syndrome 2. Last evaluated: 2025-08-05. Review status: criteria provided, single submitter. Criteria: ACMG Guidelines, 2015. Collection method: clinical testing. Allele origin: germline. Affected: yes.
Comment: The variant is not observed in the gnomAD v4.1.0 dataset. Predicted Consequence/Location: Missense variant. The majority of the known disease-causing variants of this gene are variants expected to result in premature termination of the protein. In silico tool predictions suggest no damaging effect of the variant on gene or gene product [REVEL: 0.39 (<0.4); 3Cnet: 0.04 (<0.1, specificity 0.84 and negative predicitive value 0.97)]. A different missense change at the same codon (p.His86Arg) has been reported to be associated with RNASEH2B-related disorder (PMID: 16845400). However the evidence of pathogenicity is insufficient at this time. Therefore, this variant is classified as VUS according to the recommendation of ACMG/AMP guideline.

Literature cited by the submitters: PubMed 16845400.